The following is an entry in ClinVar:

ClinVar aggregate classification (germline): Uncertain significance (1 of 4 stars; one submission).

gnomAD v4.1: 3 of 1,614,194 alleles (0.00019%); highest among the groups gnomAD compares: Non-Finnish European, 0.00025%; no homozygotes.

Submission:

Ambry Genetics
Classification: Uncertain significance. Last evaluated: 2025-08-02. Review status: criteria provided, single submitter. Criteria: Ambry Variant Classification Scheme 2023. Collection method: clinical testing. Allele origin: germline.
Comment: The p.Q70P variant (also known as c.209A>C), located in coding exon 1 of the TET2 gene, results from an A to C substitution at nucleotide position 209. The glutamine at codon 70 is replaced by proline, an amino acid with similar properties. This amino acid position is conserved. In addition, this alteration is predicted to be tolerated by in silico analysis. Based on the available evidence, the clinical significance of this variant remains unclear.

NM_001127208.3(TET2):c.209A>C (p.Gln70Pro)

Genes: TET2 (tet methylcytosine dioxygenase 2; plus strand), TET2-AS1 (TET2 antisense RNA 1; minus strand). Cytogenetic location: 4q24.
Variant type: single nucleotide variant.
Coding change: c.209A>C on transcript NM_001127208.3 (MANE Select); coding-DNA position 209, A replaced by C.
Protein change: p.Gln70Pro; replaces glutamine 70 with proline.
Molecular consequence: missense variant.
Genome position (GRCh38, 1-based): chr4:105,234,151, A>C. VCF-style: chr4-105234151-A-C. GRCh37 (hg19) VCF-style: chr4-106155308-A-C.
Other names: c.209A>C, p.Gln70Pro (NM_017628.4); short protein forms Q70P.
Identifiers: ClinVar variation 4183000 (VCV004183000.1).